The following is an entry in ClinVar:

NC_000011.9:g.(?_5246693)_(5248302_?)dup

Gene: HBB (hemoglobin subunit beta; minus strand). Cytogenetic location: 11p15.4.
Variant type: Duplication.
Identifiers: ClinVar variation 4887538 (VCV004887538.1).

ClinVar aggregate classification (germline): Uncertain significance (1 of 4 stars; one submission).

Submission:

Women's Health and Genetics/Laboratory Corporation of America, LabCorp
Classification: Uncertain significance. Last evaluated: 2026-06-29. Review status: criteria provided, single submitter. Criteria: LabCorp Variant Classification Summary - May 2015. Collection method: clinical testing. Allele origin: germline.
Comment: Variant summary: The variant involves the duplication of exons 1-3 in the HBB gene. A presumed nomenclature of c.(?_-51)_(*135_?)dup has been designated for the purposes of this classification. This duplication includes the entire coding sequence of the gene. As exact breakpoints are unknown, it may extend beyond the annotated region of the gene, to include other flanking genes. The variant was absent in 21694 control chromosomes. The available data on variant occurrences in the general population are insufficient to allow any conclusion about variant significance. To our knowledge, no occurrence of c.(?_-51)_(*135_?)dup in individuals affected with HBB-related conditions and no experimental evidence demonstrating its impact on protein function have been reported. No submitters have cited clinical-significance assessments for this variant to ClinVar. Based on the evidence outlined above, the variant was classified as uncertain significance.